The following is an entry in ClinVar:

NM_016938.5(EFEMP2):c.872C>G (p.Ala291Gly)

Gene: EFEMP2 (EGF-like fibulin extracellular matrix protein 2; minus strand). Cytogenetic location: 11q13.1.
Variant type: single nucleotide variant.
Coding change: c.872C>G on transcript NM_016938.5 (MANE Select); coding-DNA position 872, C replaced by G.
Protein change: p.Ala291Gly; replaces alanine 291 with glycine.
Molecular consequence: missense variant. On other transcripts: non-coding transcript variant (1).
Genome position (GRCh38, 1-based): chr11:65,868,397, G>C on the plus strand (C>G on the coding strand, the complement: EFEMP2 is on the minus strand). VCF-style: chr11-65868397-G-C. GRCh37 (hg19) VCF-style: chr11-65635868-G-C.
Other names: c.872C>G (NM_016938.4); short protein forms A291G.
Identifiers: ClinVar variation 1057028 (VCV001057028.10), dbSNP rs753778921, ClinGen allele CA381353831.

ClinVar aggregate classification (germline): Uncertain significance. Review status: criteria provided, multiple submitters, no conflicts (2 of 4 stars). 2 submissions from 2 submitters: Uncertain significance (2). Last evaluated 2023-03-05.

Conditions:
Cardiovascular phenotype. Identifiers: MedGen CN230736.
Cutis laxa, autosomal recessive, type 1B (ARCL1B). Also called: CUTIS LAXA, AUTOSOMAL RECESSIVE, TYPE IB; EFEMP2-Related Cutis Laxa. Identifiers: Orphanet 90349, MedGen C3280798, MONDO:0013754, OMIM 614437. Disease mechanism: loss of function.

gnomAD v4.1: 1 of 1,613,830 alleles (0.000062%); highest among the groups gnomAD compares: Non-Finnish European, 0.000085%; no homozygotes.

Submissions (2):

Ambry Genetics
Classification: Uncertain significance for Cardiovascular phenotype. Last evaluated: 2023-03-05. Review status: criteria provided, single submitter. Criteria: Ambry Variant Classification Scheme 2023. Collection method: clinical testing. Allele origin: germline.
Comment: The p.A291G variant (also known as c.872C>G), located in coding exon 8 of the EFEMP2 gene, results from a C to G substitution at nucleotide position 872. The alanine at codon 291 is replaced by glycine, an amino acid with similar properties. This amino acid position is conserved. In addition, this alteration is predicted to be tolerated by in silico analysis. Since supporting evidence is limited at this time, the clinical significance of this alteration remains unclear.

Labcorp Genetics (formerly Invitae), Labcorp
Classification: Uncertain significance for Cutis laxa, autosomal recessive, type 1B. Last evaluated: 2020-06-04. Review status: criteria provided, single submitter. Criteria: Invitae Variant Classification Sherloc (09022015). Collection method: clinical testing. Allele origin: germline.
Comment: In summary, the available evidence is currently insufficient to determine the role of this variant in disease. Therefore, it has been classified as a Variant of Uncertain Significance. Algorithms developed to predict the effect of missense changes on protein structure and function are either unavailable or do not agree on the potential impact of this missense change (SIFT: "Deleterious"; PolyPhen-2: "Benign"; Align-GVGD: "Class C0"). This variant has not been reported in the literature in individuals with EFEMP2-related conditions. This variant is not present in population databases (ExAC no frequency). This sequence change replaces alanine with glycine at codon 291 of the EFEMP2 protein (p.Ala291Gly). The alanine residue is highly conserved and there is a small physicochemical difference between alanine and glycine.